The following is an entry in ClinVar:

ClinVar aggregate classification (germline): Uncertain significance (1 of 4 stars; one submission).

Submission:

Labcorp Genetics (formerly Invitae), Labcorp
Classification: Uncertain significance. Last evaluated: 2022-11-28. Review status: criteria provided, single submitter. Criteria: Invitae Variant Classification Sherloc (09022015). Collection method: clinical testing. Allele origin: germline.
Comment: Advanced modeling of protein sequence and biophysical properties (such as structural, functional, and spatial information, amino acid conservation, physicochemical variation, residue mobility, and thermodynamic stability) performed at Invitae indicates that this missense variant is expected to disrupt COL27A1 protein function. This sequence change replaces glycine, which is neutral and non-polar, with serine, which is neutral and polar, at codon 1234 of the COL27A1 protein (p.Gly1234Ser). This variant is not present in population databases (gnomAD no frequency). This variant has not been reported in the literature in individuals affected with COL27A1-related conditions. ClinVar contains an entry for this variant (Variation ID: 1379865). Algorithms developed to predict the effect of sequence changes on RNA splicing suggest that this variant may disrupt the consensus splice site. In summary, the available evidence is currently insufficient to determine the role of this variant in disease. Therefore, it has been classified as a Variant of Uncertain Significance.

NM_032888.4(COL27A1):c.3700G>A (p.Gly1234Ser)

Gene: COL27A1 (collagen type XXVII alpha 1 chain; plus strand). Cytogenetic location: 9q32.
Variant type: single nucleotide variant.
Coding change: c.3700G>A on transcript NM_032888.4 (MANE Select); coding-DNA position 3700, G replaced by A.
Protein change: p.Gly1234Ser; replaces glycine 1234 with serine.
Molecular consequence: missense variant.
Genome position (GRCh38, 1-based): chr9:114,275,751, G>A. VCF-style: chr9-114275751-G-A. GRCh37 (hg19) VCF-style: chr9-117038031-G-A.
Other names: short protein forms G1234S.
Identifiers: ClinVar variation 1379865 (VCV001379865.8), dbSNP rs2135666898, ClinGen allele CA374598317.